The following is an entry in ClinVar:

NM_000138.5(FBN1):c.273T>C (p.Asp91=)

Gene: FBN1 (fibrillin 1; minus strand). Cytogenetic location: 15q21.1.
Variant type: single nucleotide variant.
Coding change: c.273T>C on transcript NM_000138.5 (MANE Select); coding-DNA position 273, T replaced by C.
Protein change: p.Asp91=; no amino-acid change (aspartic acid 91 retained).
Molecular consequence: synonymous variant.
Genome position (GRCh38, 1-based): chr15:48,610,801, A>G on the plus strand (T>C on the coding strand, the complement: FBN1 is on the minus strand). VCF-style: chr15-48610801-A-G. GRCh37 (hg19) VCF-style: chr15-48902998-A-G.
Identifiers: ClinVar variation 377856 (VCV000377856.38), dbSNP rs375450755, ClinGen allele CA048775.

ClinVar aggregate classification (germline): Likely benign. Review status: criteria provided, multiple submitters, no conflicts (2 of 4 stars). 8 submissions from 8 submitters: Likely benign (8). Last evaluated 2026-01-17.

Conditions:
Familial thoracic aortic aneurysm and aortic dissection (TAAD). Also called: Thoracic aortic aneurysms and dissections. Identifiers: Orphanet 91387, MedGen C4707243, MONDO:0019625.
Marfan syndrome (MFS). Also called: Marfan syndrome type 1; Marfan's syndrome; Marfan syndrome, classic; FBN1-Related Marfan Syndrome; MARFAN SYNDROME, TYPE I. Identifiers: Orphanet 284963, Orphanet 558, MedGen C0024796, MONDO:0007947, OMIM 154700.

Allele frequency attached by ClinVar (database versions not stated): ExAC 0.00006; gnomAD 0.00006; gnomAD exomes 0.00006 and 0.00012; TOPMed 0.00006; ESP Exome Variant Server 0.00008.
gnomAD v4.1: 189 of 1,614,020 alleles (0.012%); highest among the groups gnomAD compares: Non-Finnish European, 0.015%; no homozygotes.

Submissions (8):

Labcorp Genetics (formerly Invitae), Labcorp
Classification: Likely benign for Marfan syndrome; Familial thoracic aortic aneurysm and aortic dissection. Last evaluated: 2026-01-17. Review status: criteria provided, single submitter. Criteria: Invitae Variant Classification Sherloc (09022015). Collection method: clinical testing. Allele origin: germline.

CeGaT Center for Human Genetics Tuebingen
Classification: Likely benign. Last evaluated: 2024-05-01. Review status: criteria provided, single submitter. Criteria: CeGaT Center For Human Genetics Tuebingen Variant Classification Criteria Version 2. Collection method: clinical testing. Allele origin: germline. Affected: yes. Observed: 1 variant allele.
Comment: FBN1: BP4, BP7

All of Us Research Program, National Institutes of Health
Classification: Likely benign for Marfan syndrome. Last evaluated: 2024-01-03. Review status: criteria provided, single submitter. Criteria: ACMG Guidelines, 2015. Collection method: clinical testing. Allele origin: germline. Inheritance: Autosomal dominant inheritance. Observed: 14 variant alleles, 14 heterozygotes.
Comment: This study involves interpretation of variants in research participants for the purpose of population health screening. Participant phenotype was not available at the time of variant classification. Additional details can be found in publication PMID: 35346344, PMCID: PMC8962531

Blueprint Genetics
Classification: Likely benign. Last evaluated: 2023-06-08. Review status: criteria provided, single submitter. Criteria: ACMG Guidelines, 2015. Collection method: clinical testing. Allele origin: germline.

Women's Health and Genetics/Laboratory Corporation of America, LabCorp
Classification: Likely benign. Last evaluated: 2021-05-29. Review status: criteria provided, single submitter. Criteria: LabCorp Variant Classification Summary - May 2015. Collection method: clinical testing. Allele origin: germline.

GeneDx
Classification: Likely benign. Last evaluated: 2021-02-03. Review status: criteria provided, single submitter. Criteria: GeneDx Variant Classification Process June 2021. Collection method: clinical testing. Allele origin: germline. Affected: yes.
Comment: Has not been previously published as pathogenic or benign to our knowledge

Color Diagnostics, LLC DBA Color Health
Classification: Likely benign for Familial thoracic aortic aneurysm and aortic dissection. Last evaluated: 2018-11-21. Review status: criteria provided, single submitter. Criteria: ACMG Guidelines, 2015. Collection method: clinical testing. Allele origin: germline.

Ambry Genetics
Classification: Likely benign for Familial thoracic aortic aneurysm and aortic dissection. Last evaluated: 2016-07-24. Review status: criteria provided, single submitter. Criteria: Ambry Variant Classification Scheme 2023. Collection method: clinical testing. Allele origin: germline.